The following is an entry in ClinVar:

ClinVar aggregate classification (germline): Benign. Review status: criteria provided, multiple submitters, no conflicts (2 of 4 stars). 2 submissions from 2 submitters: Benign (2). Last evaluated 2024-03-16.

Conditions:
Monilethrix. Also called: Beaded hair. Identifiers: Orphanet 573, MedGen C0546966, MONDO:0008009, HP:0032470.

Allele frequency attached by ClinVar (database versions not stated): TOPMed 0.00010; 1000 Genomes Project 30x 0.00016; 1000 Genomes Project 0.00020; ExAC 0.00025.

Submissions (3):

Labcorp Genetics (formerly Invitae), Labcorp
Classification: Benign. Last evaluated: 2024-03-16. Review status: criteria provided, single submitter. Criteria: Invitae Variant Classification Sherloc (09022015). Collection method: clinical testing. Allele origin: germline.

Illumina Laboratory Services, Illumina
Classification: Benign for Monilethrix-1. Last evaluated: 2018-01-13. Review status: criteria provided, single submitter. Criteria: ICSL Variant Classification Criteria 13 December 2019. Collection method: clinical testing. Allele origin: germline.
Comment: This variant was observed in the ICSL laboratory as part of a predisposition screen in an ostensibly healthy population. It had not been previously curated by ICSL or reported in the Human Gene Mutation Database (HGMD: prior to June 1st, 2018), and was therefore a candidate for classification through an automated scoring system. Utilizing variant allele frequency, disease prevalence and penetrance estimates, and inheritance mode, an automated score was calculated to assess if this variant is too frequent to cause the disease. Based on the score and internal cut-off values, a variant classified as benign is not then subjected to further curation. The score for this variant resulted in a classification of benign for this disease.

Dr. Peter K. Rogan Lab, Western University
No classification provided (evidence only). Condition: Malignant tumor of urinary bladder. Review status: no classification provided. Collection method: in vitro. Allele origin: not applicable. Functional consequence: retained intron. Not counted in ClinVar's aggregate classification.

NM_002282.3(KRT83):c.363A>G (p.Arg121=)

Gene: KRT83 (keratin 83; minus strand). Cytogenetic location: 12q13.13.
Variant type: single nucleotide variant.
Coding change: c.363A>G on transcript NM_002282.3 (MANE Select); coding-DNA position 363, A replaced by G.
Protein change: p.Arg121=; no amino-acid change (arginine 121 retained).
Molecular consequence: synonymous variant.
Genome position (GRCh38, 1-based): chr12:52,320,973, T>C on the plus strand (A>G on the coding strand, the complement: KRT83 is on the minus strand). VCF-style: chr12-52320973-T-C. GRCh37 (hg19) VCF-style: chr12-52714757-T-C.
Identifiers: ClinVar variation 884066 (VCV000884066.7), dbSNP rs571144595, ClinGen allele CA6577724.